The following is an entry in ClinVar:

NM_213655.5(WNK1):c.2360G>A (p.Arg787Gln)

Gene: WNK1 (WNK lysine deficient protein kinase 1; plus strand). Cytogenetic location: 12p13.33.
Variant type: single nucleotide variant.
Coding change: c.2360G>A on transcript NM_213655.5 (MANE Plus Clinical); coding-DNA position 2360, G replaced by A.
Protein change: p.Arg787Gln; replaces arginine 787 with glutamine.
Molecular consequence: missense variant. On other transcripts: intron variant (3).
Genome position (GRCh38, 1-based): chr12:865,330, G>A. VCF-style: chr12-865330-G-A. GRCh37 (hg19) VCF-style: chr12-974496-G-A.
Other names: p.Arg787Gln; c.2140-2536G>A (NM_001184985.2); c.2139+3060G>A (NM_018979.4, NM_014823.3); short protein forms R787Q.
Identifiers: ClinVar variation 848487 (VCV000848487.13), dbSNP rs550716144, ClinGen allele CA6382146.

ClinVar aggregate classification (germline): Conflicting classifications of pathogenicity. Review status: criteria provided, conflicting classifications (1 of 4 stars). 5 submissions from 5 submitters: Uncertain significance (3); Likely benign (2). Last evaluated 2026-01-29.

Conditions:
WNK1-related disorder. Also called: WNK1-related condition.
Pseudohypoaldosteronism type 2C (PHA2C). Also called: Pseudohypoaldosteronism Type IIC. Identifiers: Orphanet 757, Orphanet 88940, MedGen C1840391, MONDO:0013778, OMIM 614492.
Neuropathy, hereditary sensory and autonomic, type 2A (HSAN2A). Also called: ACROOSTEOLYSIS, GIACCAI TYPE; ACROOSTEOLYSIS, NEUROGENIC; MORVAN DISEASE; WNK1-Related HSAN2 (HSAN2A); NEUROPATHY, CONGENITAL SENSORY; NEUROPATHY, HEREDITARY SENSORY RADICULAR, AUTOSOMAL RECESSIVE. Identifiers: Orphanet 970, MedGen C2752089, MONDO:0024309, OMIM 201300.
Inborn genetic diseases. Identifiers: MedGen C0950123, MeSH D030342.

Allele frequency attached by ClinVar (database versions not stated): 1000 Genomes Project 0.00020; ExAC 0.00025; 1000 Genomes Project 30x 0.00031; gnomAD 0.00057 and 0.00061; TOPMed 0.00074.
gnomAD v4.1: 224 of 1,536,102 alleles (0.015%); highest among the groups gnomAD compares: African/African-American, 0.2%; no homozygotes.

Submissions (5):

PreventionGenetics, part of Exact Sciences
Classification: Uncertain significance for WNK1-related condition. Last evaluated: 2026-01-29. Review status: criteria provided, single submitter. Criteria: ACMG Guidelines, 2015. Collection method: clinical testing. Allele origin: germline.
Comment: The WNK1 c.2360G>A variant is predicted to result in the amino acid substitution p.Arg787Gln. Of note, this variant can also be referred to as c.2139+3060G>A with the kidney specific isoform, NM_018979. To our knowledge, this variant has not been reported in the literature. This variant is reported in 0.15% of alleles in individuals of African descent in gnomAD. Although we suspect that this variant may be benign, at this time, the clinical significance of this variant is uncertain due to the absence of conclusive functional and genetic evidence.

Labcorp Genetics (formerly Invitae), Labcorp
Classification: Likely benign for Neuropathy, hereditary sensory and autonomic, type 2A; Pseudohypoaldosteronism type 2C. Last evaluated: 2025-12-16. Review status: criteria provided, single submitter. Criteria: Invitae Variant Classification Sherloc (09022015). Collection method: clinical testing. Allele origin: germline.

Mayo Clinic Laboratories, Mayo Clinic
Classification: Likely benign. Last evaluated: 2023-09-18. Review status: criteria provided, single submitter. Criteria: ACMG Guidelines, 2015. Collection method: clinical testing. Allele origin: germline. Observed: 2 variant alleles.
Comment: BS1, BP4_moderate

Ambry Genetics
Classification: Uncertain significance for Inborn genetic diseases. Last evaluated: 2022-06-13. Review status: criteria provided, single submitter. Criteria: Ambry Variant Classification Scheme 2023. Collection method: clinical testing. Allele origin: germline.
Comment: The p.R787Q variant (also known as c.2360G>A), located in coding exon 9 of the WNK1 gene, results from a G to A substitution at nucleotide position 2360. The arginine at codon 787 is replaced by glutamine, an amino acid with highly similar properties. This amino acid position is well conserved in available vertebrate species. In addition, the in silico prediction for this alteration is inconclusive. Since supporting evidence is limited at this time, the clinical significance of this alteration remains unclear.

Breakthrough Genomics
Classification: Uncertain significance. Review status: criteria provided, single submitter. Criteria: ACMG Guidelines, 2015. Collection method: not provided. Allele origin: germline. Inheritance: Autosomal recessive inheritance. Affected: yes.